The following is an entry in ClinVar:

ClinVar aggregate classification (germline): Benign/Likely benign. Review status: criteria provided, multiple submitters, no conflicts (2 of 4 stars). 4 submissions from 4 submitters: Benign (2); Likely benign (1). 1 of the submissions does not count toward it. Last evaluated 2023-12-01.

Conditions:
NLRP2-related disorder. Also called: NLRP2-related condition.

Allele frequency attached by ClinVar (database versions not stated): 1000 Genomes Project 0.00200; 1000 Genomes Project 30x 0.00250; TOPMed 0.00565; ESP Exome Variant Server 0.00669.
gnomAD v4.1: 14,653 of 1,613,084 alleles (0.91%); highest among the groups gnomAD compares: Non-Finnish European, 1.1%; 72 homozygotes.

Submissions (4):

CeGaT Center for Human Genetics Tuebingen
Classification: Likely benign. Last evaluated: 2023-12-01. Review status: criteria provided, single submitter. Criteria: CeGaT Center For Human Genetics Tuebingen Variant Classification Criteria Version 2. Collection method: clinical testing. Allele origin: germline. Affected: yes. Observed: 2 variant alleles.
Comment: NLRP2: BS2

Labcorp Genetics (formerly Invitae), Labcorp
Classification: Benign. Last evaluated: 2018-01-05. Review status: criteria provided, single submitter. Criteria: Invitae Variant Classification Sherloc (09022015). Collection method: clinical testing. Allele origin: germline.

Breakthrough Genomics
Classification: Benign. Review status: criteria provided, single submitter. Criteria: ACMG Guidelines, 2015. Collection method: not provided. Allele origin: germline. Inheritance: Unknown mechanism. Affected: yes.

PreventionGenetics, part of Exact Sciences
Classification: Benign for NLRP2-related condition. Last evaluated: 2019-03-18. Review status: no assertion criteria provided. Collection method: clinical testing. Allele origin: germline. Not counted in ClinVar's aggregate classification.
Comment: This variant is classified as benign based on ACMG/AMP sequence variant interpretation guidelines (Richards et al. 2015 PMID: 25741868, with internal and published modifications).

NM_017852.5(NLRP2):c.1217C>G (p.Thr406Arg)

Gene: NLRP2 (NLR family pyrin domain containing 2; plus strand). Cytogenetic location: 19q13.42.
Variant type: single nucleotide variant.
Coding change: c.1217C>G on transcript NM_017852.5 (MANE Select); coding-DNA position 1217, C replaced by G.
Protein change: p.Thr406Arg; replaces threonine 406 with arginine.
Molecular consequence: missense variant. On other transcripts: non-coding transcript variant (1).
Genome position (GRCh38, 1-based): chr19:54,982,915, C>G. VCF-style: chr19-54982915-C-G. GRCh37 (hg19) VCF-style: chr19-55494283-C-G.
Other names: c.1217C>G (NM_001174081.2); c.1217C>G, p.Thr406Arg (NM_001174081.3); c.1151C>G, p.Thr384Arg (NM_001174082.3); c.1148C>G, p.Thr383Arg (NM_001174083.2); c.1208C>G, p.Thr403Arg (NM_001348003.2); short protein forms T383R, T406R, T384R, T403R.
Identifiers: ClinVar variation 777055 (VCV000777055.29), dbSNP rs139903547, ClinGen allele CA310104087.